The following is an entry in ClinVar:

NM_001375834.1(WIPF1):c.698G>T (p.Gly233Val)

Gene: WIPF1 (WAS/WASL interacting protein family member 1; minus strand). Cytogenetic location: 2q31.1.
Variant type: single nucleotide variant.
Coding change: c.698G>T on transcript NM_001375834.1 (MANE Select); coding-DNA position 698, G replaced by T.
Protein change: p.Gly233Val; replaces glycine 233 with valine.
Molecular consequence: missense variant.
Genome position (GRCh38, 1-based): chr2:174,572,107, C>A on the plus strand (G>T on the coding strand, the complement: WIPF1 is on the minus strand). VCF-style: chr2-174572107-C-A. GRCh37 (hg19) VCF-style: chr2-175436835-C-A.
Other names: c.698G>T, p.Gly233Val (NM_001077269.1, NM_001375832.1, NM_001375833.1 and 5 more transcripts); c.320G>T, p.Gly107Val (NM_001375839.1); short protein forms G107V, G233V.
Identifiers: ClinVar variation 1024739 (VCV001024739.9), dbSNP rs372545449, ClinGen allele CA1974072.

ClinVar aggregate classification (germline): Uncertain significance. Review status: criteria provided, multiple submitters, no conflicts (2 of 4 stars). 2 submissions from 2 submitters: Uncertain significance (2). Last evaluated 2025-09-25.

Conditions:
Inborn genetic diseases. Identifiers: MedGen C0950123, MeSH D030342.
Wiskott-Aldrich syndrome 2 (WAS2). Also called: WIPF1 DEFICIENCY. Identifiers: Orphanet 906, MedGen C3281001, MONDO:0013779, OMIM 614493.

Allele frequency attached by ClinVar (database versions not stated): ESP Exome Variant Server 0.00008; gnomAD exomes 0.00004; gnomAD 0.00006; TOPMed 0.00006; ExAC 0.00006.
gnomAD v4.1: 137 of 1,597,602 alleles (0.0086%); highest among the groups gnomAD compares: Non-Finnish European, 0.011%; no homozygotes.

Submissions (2):

Ambry Genetics
Classification: Uncertain significance for Inborn genetic diseases. Last evaluated: 2025-09-25. Review status: criteria provided, single submitter. Criteria: Ambry Variant Classification Scheme 2023. Collection method: clinical testing. Allele origin: germline.

Labcorp Genetics (formerly Invitae), Labcorp
Classification: Uncertain significance for Wiskott-Aldrich syndrome 2. Last evaluated: 2023-05-08. Review status: criteria provided, single submitter. Criteria: Invitae Variant Classification Sherloc (09022015). Collection method: clinical testing. Allele origin: germline.
Comment: In summary, the available evidence is currently insufficient to determine the role of this variant in disease. Therefore, it has been classified as a Variant of Uncertain Significance. An algorithm developed to predict the effect of missense changes on protein structure and function (PolyPhen-2) suggests that this variant is likely to be disruptive. ClinVar contains an entry for this variant (Variation ID: 1024739). This variant has not been reported in the literature in individuals affected with WIPF1-related conditions. This variant is present in population databases (rs372545449, gnomAD 0.01%). This sequence change replaces glycine, which is neutral and non-polar, with valine, which is neutral and non-polar, at codon 233 of the WIPF1 protein (p.Gly233Val).